The following is an entry in ClinVar:

NM_153006.3(NAGS):c.*211C>T

Gene: NAGS (N-acetylglutamate synthase; plus strand). Cytogenetic location: 17q21.31.
Variant type: single nucleotide variant.
Coding change: c.*211C>T on transcript NM_153006.3 (MANE Select); 211 bases downstream of the stop codon, C replaced by T.
Molecular consequence: 3 prime UTR variant.
Genome position (GRCh38, 1-based): chr17:44,008,812, C>T. VCF-style: chr17-44008812-C-T. GRCh37 (hg19) VCF-style: chr17-42086180-C-T.
Identifiers: ClinVar variation 323452 (VCV000323452.8), dbSNP rs640631, ClinGen allele CA10649360.
Genomic context (GRCh38, chr17:44,008,812, plus strand): 5'-GAGGAGGCGCTGAAGTGGGACAAGCACAGGAAAGAAGGGGACCAGTCTAGGACCCCAACT[C>T]GACTCACTCTAAAGCTACAACCAAATGGCCTTCGATTTTCAACCTGGGGATTAGGGGAGG-3'

ClinVar aggregate classification (germline): Benign. Review status: criteria provided, multiple submitters, no conflicts (2 of 4 stars). 3 submissions from 3 submitters: Benign (3). Last evaluated 2018-06-14.

Conditions:
Hyperammonemia, type III (NAGSD). Also called: Hyperammonemia due to N-acetylglutamate synthase deficiency. Identifiers: Orphanet 927, MedGen C0268543, MONDO:0009377, OMIM 237310.

Allele frequency attached by ClinVar (database versions not stated): TOPMed 0.86409; gnomAD 0.86592 and 0.87409; 1000 Genomes Project 30x 0.88538; 1000 Genomes Project 0.89477; gnomAD exomes 0.94425.

Submissions (3):

GeneDx
Classification: Benign. Last evaluated: 2018-06-14. Review status: criteria provided, single submitter. Criteria: GeneDx Variant Classification Process June 2021. Collection method: clinical testing. Allele origin: germline. Affected: yes.

Illumina Laboratory Services, Illumina
Classification: Benign for Hyperammonemia, type III. Last evaluated: 2018-01-12. Review status: criteria provided, single submitter. Criteria: ICSL Variant Classification Criteria 13 December 2019. Collection method: clinical testing. Allele origin: germline.
Comment: This variant was observed in the ICSL laboratory as part of a predisposition screen in an ostensibly healthy population. It had not been previously curated by ICSL or reported in the Human Gene Mutation Database (HGMD: prior to June 1st, 2018), and was therefore a candidate for classification through an automated scoring system. Utilizing variant allele frequency, disease prevalence and penetrance estimates, and inheritance mode, an automated score was calculated to assess if this variant is too frequent to cause the disease. Based on the score and internal cut-off values, a variant classified as benign is not then subjected to further curation. The score for this variant resulted in a classification of benign for this disease.

Breakthrough Genomics
Classification: Benign. Review status: criteria provided, single submitter. Criteria: ACMG Guidelines, 2015. Collection method: not provided. Allele origin: germline. Inheritance: Autosomal recessive inheritance. Affected: yes.